The following is an entry in ClinVar:

NM_001082486.2(ACD):c.997G>A (p.Ala333Thr)

Gene: ACD (ACD shelterin complex subunit and telomerase recruitment factor; minus strand). Cytogenetic location: 16q22.1.
Variant type: single nucleotide variant.
Coding change: c.997G>A on transcript NM_001082486.2 (MANE Select); coding-DNA position 997, G replaced by A.
Protein change: p.Ala333Thr; replaces alanine 333 with threonine.
Molecular consequence: missense variant.
Genome position (GRCh38, 1-based): chr16:67,658,195, C>T on the plus strand (G>A on the coding strand, the complement: ACD is on the minus strand). VCF-style: chr16-67658195-C-T. GRCh37 (hg19) VCF-style: chr16-67692098-C-T.
Other names: c.988G>A, p.Ala330Thr (NM_022914.3); c.997G>A, p.Ala333Thr (LRG_1237t1); short protein forms A330T, A333T.
Identifiers: ClinVar variation 434067 (VCV000434067.19), dbSNP rs202104741, ClinGen allele CA8114467.

ClinVar aggregate classification (germline): Uncertain significance. Review status: criteria provided, multiple submitters, no conflicts (2 of 4 stars). 6 submissions from 6 submitters: Uncertain significance (6). Last evaluated 2026-01-27.

Conditions:
Inborn genetic diseases. Identifiers: MedGen C0950123, MeSH D030342.
Dyskeratosis congenita, autosomal dominant 6 (DKCA6). Identifiers: Orphanet 3322, MedGen C4225284, MONDO:0014690, OMIM 616553.

Allele frequency attached by ClinVar (database versions not stated): ESP Exome Variant Server 0.00008; gnomAD exomes 0.00008; ExAC 0.00011; gnomAD 0.00031 and 0.00032; TOPMed 0.00039; 1000 Genomes Project 0.00040; 1000 Genomes Project 30x 0.00078.
gnomAD v4.1: 171 of 1,611,924 alleles (0.011%); highest among the groups gnomAD compares: African/African-American, 0.097%; no homozygotes.

Submissions (6):

Labcorp Genetics (formerly Invitae), Labcorp
Classification: Uncertain significance for Dyskeratosis congenita, autosomal dominant 6. Last evaluated: 2026-01-27. Review status: criteria provided, single submitter. Criteria: Invitae Variant Classification Sherloc (09022015). Collection method: clinical testing. Allele origin: germline.
Comment: This sequence change replaces alanine, which is neutral and non-polar, with threonine, which is neutral and polar, at codon 419 of the ACD protein (p.Ala419Thr). This variant is present in population databases (rs202104741, gnomAD 0.1%). This variant has not been reported in the literature in individuals affected with ACD-related conditions. ClinVar contains an entry for this variant (Variation ID: 434067). Invitae Evidence Modeling of protein sequence and biophysical properties (such as structural, functional, and spatial information, amino acid conservation, physicochemical variation, residue mobility, and thermodynamic stability) indicates that this missense variant is not expected to disrupt ACD protein function with a negative predictive value of 80%. In summary, the available evidence is currently insufficient to determine the role of this variant in disease. Therefore, it has been classified as a Variant of Uncertain Significance.

Center for Genomic Medicine, Rigshospitalet, Copenhagen University Hospital
Classification: Uncertain significance. Last evaluated: 2025-03-04. Review status: criteria provided, single submitter. Criteria: ACMG Guidelines, 2015. Collection method: clinical testing. Allele origin: germline.

GeneDx
Classification: Uncertain significance. Last evaluated: 2025-03-03. Review status: criteria provided, single submitter. Criteria: GeneDx Variant Classification Process June 2021. Collection method: clinical testing. Allele origin: germline. Affected: yes.
Comment: In silico analysis indicates that this missense variant does not alter protein structure/function; Has not been previously published as pathogenic or benign to our knowledge

Blueprint Genetics
Classification: Uncertain significance. Last evaluated: 2024-05-03. Review status: criteria provided, single submitter. Criteria: ACMG Guidelines, 2015. Collection method: clinical testing. Allele origin: germline.

Ambry Genetics
Classification: Uncertain significance for Inborn genetic diseases. Last evaluated: 2023-08-02. Review status: criteria provided, single submitter. Criteria: Ambry Variant Classification Scheme 2023. Collection method: clinical testing. Allele origin: germline.

Genetic Services Laboratory, University of Chicago
Classification: Uncertain significance. Last evaluated: 2016-12-22. Review status: criteria provided, single submitter. Criteria: ACMG Guidelines, 2015. Collection method: clinical testing. Allele origin: germline. Affected: no.